The following is an entry in ClinVar:

NM_002769.5(PRSS1):c.223G>C (p.Glu75Gln)

Genes: PRSS1 (serine protease 1; plus strand), TRB (T cell receptor beta locus; plus strand). Cytogenetic location: 7q34.
Variant type: single nucleotide variant.
Coding change: c.223G>C on transcript NM_002769.5 (MANE Select); coding-DNA position 223, G replaced by C.
Protein change: p.Glu75Gln; replaces glutamic acid 75 with glutamine.
Molecular consequence: missense variant. On other transcripts: non-coding transcript variant (2).
Genome position (GRCh38, 1-based): chr7:142,751,796, G>C. VCF-style: chr7-142751796-G-C. GRCh37 (hg19) VCF-style: chr7-142459647-G-C.
Other names: short protein forms E75Q.
Identifiers: ClinVar variation 5027393 (VCV005027393.1).

ClinVar aggregate classification (germline): Uncertain significance (1 of 4 stars; one submission).

Conditions:
Hereditary pancreatitis (PCTT). Also called: Hereditary chronic pancreatitis; PRSS1-Related Hereditary Pancreatitis. Identifiers: Orphanet 676, MedGen C0238339, MONDO:0008185, OMIM 167800.

Submission:

Ambry Genetics
Classification: Uncertain significance for Hereditary pancreatitis. Last evaluated: 2026-06-17. Review status: criteria provided, single submitter. Criteria: Ambry Variant Classification Scheme 2023. Collection method: clinical testing. Allele origin: germline.
Comment: The p.E75Q variant (also known as c.223G>C), located in coding exon 3 of the PRSS1 gene, results from a G to C substitution at nucleotide position 223. The glutamic acid at codon 75 is replaced by glutamine, an amino acid with highly similar properties. This amino acid position is conserved. In addition, the in silico prediction for this alteration is inconclusive. Based on the available evidence, the clinical significance of this variant remains unclear.